The following is an entry in ClinVar:

ClinVar aggregate classification (germline): Uncertain significance (1 of 4 stars; one submission).

gnomAD v4.1: 1 of 1,612,476 alleles (0.000062%); highest among the groups gnomAD compares: Non-Finnish European, 0.000085%; no homozygotes.

Submission:

Dasa
Classification: Uncertain significance. Last evaluated: 2024-11-18. Review status: criteria provided, single submitter. Criteria: DASA Assertion Criteria. Collection method: clinical testing. Allele origin: germline.
Comment: NM_021927.3(GUF1):c.1016T>G (p.Leu339*) introduces a premature termination codon predicted to result in loss of normal protein function. Loss-of-function is an established mechanism of disease for this gene. The variant is present at low frequency in population datasets. Based on the available data, this variant is classified as variant of uncertain significance.

NM_021927.3(GUF1):c.1016T>G (p.Leu339Ter)

Gene: GUF1 (GTP binding elongation factor GUF1; plus strand). Cytogenetic location: 4p12.
Variant type: single nucleotide variant.
Coding change: c.1016T>G on transcript NM_021927.3 (MANE Select); coding-DNA position 1016, T replaced by G.
Protein change: p.Leu339Ter; replaces leucine 339 with a stop codon.
Molecular consequence: nonsense.
Genome position (GRCh38, 1-based): chr4:44,688,084, T>G. VCF-style: chr4-44688084-T-G. GRCh37 (hg19) VCF-style: chr4-44690101-T-G.
Other names: c.44T>G, p.Leu15Ter (NM_001345867.2, NM_001345869.2); c.1016T>G, p.Leu339Ter (NM_001345868.2); short protein forms L15*, L339*.
Identifiers: ClinVar variation 4851891 (VCV004851891.1).